The following is an entry in ClinVar:

ClinVar aggregate classification (germline): Uncertain significance (1 of 4 stars; one submission).

Conditions:
Charcot-Marie-Tooth disease axonal type 2O. Also called: CHARCOT-MARIE-TOOTH DISEASE, AXONAL, AUTOSOMAL DOMINANT, TYPE 2O; CHARCOT-MARIE-TOOTH NEUROPATHY, AXONAL, TYPE 2O; Charcot-Marie-Tooth Neuropathy Type 2O; Charcot-Marie-Tooth disease, axonal, type 20. Identifiers: Orphanet 284232, MedGen C3280220, MONDO:0013644, OMIM 614228.

Submission:

Labcorp Genetics (formerly Invitae), Labcorp
Classification: Uncertain significance for Charcot-Marie-Tooth disease axonal type 2O. Last evaluated: 2024-07-17. Review status: criteria provided, single submitter. Criteria: Invitae Variant Classification Sherloc (09022015). Collection method: clinical testing. Allele origin: germline.
Comment: This sequence change falls in intron 1 of the DYNC1H1 gene. It does not directly change the encoded amino acid sequence of the DYNC1H1 protein. It affects a nucleotide within the consensus splice site. This variant is not present in population databases (gnomAD no frequency). This variant has not been reported in the literature in individuals affected with DYNC1H1-related conditions. Variants that disrupt the consensus splice site are a relatively common cause of aberrant splicing (PMID: 17576681, 9536098). Algorithms developed to predict the effect of sequence changes on RNA splicing suggest that this variant is not likely to affect RNA splicing. In summary, the available evidence is currently insufficient to determine the role of this variant in disease. Therefore, it has been classified as a Variant of Uncertain Significance.

Literature cited by the submitters: PubMed 17576681; PubMed 9536098.

NM_001376.5(DYNC1H1):c.256+5G>A

Gene: DYNC1H1 (dynein cytoplasmic 1 heavy chain 1; plus strand). Cytogenetic location: 14q32.31.
Variant type: single nucleotide variant.
Coding change: c.256+5G>A on transcript NM_001376.5 (MANE Select); 5 bases into the intron after coding-DNA position 256, G replaced by A.
Molecular consequence: intron variant.
Genome position (GRCh38, 1-based): chr14:101,964,952, G>A. VCF-style: chr14-101964952-G-A. GRCh37 (hg19) VCF-style: chr14-102431289-G-A.
Identifiers: ClinVar variation 3659743 (VCV003659743.2).
Genomic context (GRCh38, chr14:101,964,952, plus strand): 5'-GTTCCTTTCGGACCCGCAGGTCCACACGGTGCTGGTGGAGCGCTCCACGCTCAAAGGTGC[G>A]GGGCCGCGGAGGGCAGGGTCGCCAGAGCCAGGCCTCGCGGAATGCAGGGCCTGCCAGGTC-3'